The following is an entry in ClinVar:

ClinVar aggregate classification (germline): Uncertain significance (1 of 4 stars; one submission).

Allele frequency attached by ClinVar (database versions not stated): TOPMed below 0.00001; gnomAD 0.00001; gnomAD exomes 0.00001; ExAC 0.00002.
gnomAD v4.1: 12 of 1,613,474 alleles (0.00074%); highest among the groups gnomAD compares: South Asian, 0.0011%; 1 homozygote.

Submission:

Labcorp Genetics (formerly Invitae), Labcorp
Classification: Uncertain significance. Last evaluated: 2022-12-29. Review status: criteria provided, single submitter. Criteria: Invitae Variant Classification Sherloc (09022015). Collection method: clinical testing. Allele origin: germline.
Comment: In summary, the available evidence is currently insufficient to determine the role of this variant in disease. Therefore, it has been classified as a Variant of Uncertain Significance. Algorithms developed to predict the effect of sequence changes on RNA splicing suggest that this variant may disrupt the consensus splice site. This variant has not been reported in the literature in individuals affected with SRP54-related conditions. The frequency data for this variant in the population databases is considered unreliable, as metrics indicate poor data quality at this position in the gnomAD database. This sequence change affects codon 390 of the SRP54 mRNA. It is a 'silent' change, meaning that it does not change the encoded amino acid sequence of the SRP54 protein.

NM_003136.4(SRP54):c.1170G>A (p.Thr390=)

Gene: SRP54 (signal recognition particle 54; plus strand). Cytogenetic location: 14q13.2.
Variant type: single nucleotide variant.
Coding change: c.1170G>A on transcript NM_003136.4 (MANE Select); coding-DNA position 1170, G replaced by A.
Protein change: p.Thr390=; no amino-acid change (threonine 390 retained).
Molecular consequence: synonymous variant. On other transcripts: intron variant (1).
Genome position (GRCh38, 1-based): chr14:35,022,923, G>A. VCF-style: chr14-35022923-G-A. GRCh37 (hg19) VCF-style: chr14-35492129-G-A.
Other names: c.1023G>A, p.Thr341= (NM_001146282.2); c.1156+3849G>A (NM_001411017.1).
Identifiers: ClinVar variation 1932317 (VCV001932317.5), dbSNP rs761282358, ClinGen allele CA7153801.